The following is an entry in ClinVar:

ClinVar aggregate classification (germline): Uncertain significance. Review status: criteria provided, single submitter (1 of 4 stars). 2 submissions from 2 submitters: Uncertain significance (1). 1 of the submissions does not count toward it. Last evaluated 2021-10-22.

Conditions:
CFTR-related disorder (CFTR-RD). Also called: CFTR-related disorders; CFTR-related condition. Identifiers: MedGen C5924204, MONDO:7770004.
Cystic fibrosis (CF). Also called: MUCOVISCIDOSIS. Identifiers: Orphanet 586, MedGen C0010674, MONDO:0009061, OMIM 219700. Disease mechanism: loss of function.

Allele frequency attached by ClinVar (database versions not stated): gnomAD exomes below 0.00001 and 0.00001.
gnomAD v4.1: 2 of 1,614,026 alleles (0.00012%); highest among the groups gnomAD compares: Non-Finnish European, 0.00017%; no homozygotes.

Submissions (2):

Labcorp Genetics (formerly Invitae), Labcorp
Classification: Uncertain significance for Cystic fibrosis. Last evaluated: 2021-10-22. Review status: criteria provided, single submitter. Criteria: Invitae Variant Classification Sherloc (09022015). Collection method: clinical testing. Allele origin: germline.
Comment: This sequence change replaces serine with cysteine at codon 707 of the CFTR protein (p.Ser707Cys). The serine residue is moderately conserved and there is a moderate physicochemical difference between serine and cysteine. This variant is not present in population databases (ExAC no frequency). This variant has not been reported in the literature in individuals affected with CFTR-related conditions. Algorithms developed to predict the effect of missense changes on protein structure and function are either unavailable or do not agree on the potential impact of this missense change (SIFT: "Tolerated"; PolyPhen-2: "Possibly Damaging"; Align-GVGD: "Class C0"). In summary, the available evidence is currently insufficient to determine the role of this variant in disease. Therefore, it has been classified as a Variant of Uncertain Significance.

Natera, Inc.
Classification: Uncertain significance for CFTR-related disorders. Last evaluated: 2019-03-27. Review status: no assertion criteria provided. Collection method: clinical testing. Allele origin: germline. Not counted in ClinVar's aggregate classification.

NM_000492.4(CFTR):c.2120C>G (p.Ser707Cys)

Gene: CFTR (CF transmembrane conductance regulator; plus strand). Cytogenetic location: 7q31.2.
Variant type: single nucleotide variant.
Coding change: c.2120C>G on transcript NM_000492.4 (MANE Select); coding-DNA position 2120, C replaced by G.
Protein change: p.Ser707Cys; replaces serine 707 with cysteine.
Molecular consequence: missense variant.
Genome position (GRCh38, 1-based): chr7:117,592,287, C>G. VCF-style: chr7-117592287-C-G. GRCh37 (hg19) VCF-style: chr7-117232341-C-G.
Other names: short protein forms S707C.
Identifiers: ClinVar variation 967562 (VCV000967562.5), dbSNP rs1395267446, ClinGen allele CA368979840.